The following is an entry in ClinVar:

NM_000057.4(BLM):c.2815G>A (p.Gly939Ser)

Gene: BLM (BLM RecQ like helicase; plus strand). Cytogenetic location: 15q26.1.
Variant type: single nucleotide variant.
Coding change: c.2815G>A on transcript NM_000057.4 (MANE Select); coding-DNA position 2815, G replaced by A.
Protein change: p.Gly939Ser; replaces glycine 939 with serine.
Molecular consequence: missense variant.
Genome position (GRCh38, 1-based): chr15:90,785,073, G>A. VCF-style: chr15-90785073-G-A. GRCh37 (hg19) VCF-style: chr15-91328303-G-A.
Other names: c.2815G>A, p.Gly939Ser (NM_001287246.2, NM_001287247.2); c.1690G>A, p.Gly564Ser (NM_001287248.2); short protein forms G564S, G939S.
Identifiers: ClinVar variation 1796377 (VCV001796377.2), dbSNP rs2505502256, ClinGen allele CA393846183.

ClinVar aggregate classification (germline): Uncertain significance (1 of 4 stars; one submission).

Conditions:
Hereditary cancer-predisposing syndrome. Also called: Tumor predisposition; Hereditary Cancer Syndrome; Neoplastic Syndromes, Hereditary; Hereditary neoplastic syndrome. Identifiers: Orphanet 140162, MedGen C0027672, MeSH D009386, MONDO:0015356.

Submission:

Ambry Genetics
Classification: Uncertain significance for Hereditary cancer-predisposing syndrome. Last evaluated: 2021-06-30. Review status: criteria provided, single submitter. Criteria: Ambry Variant Classification Scheme 2023. Collection method: clinical testing. Allele origin: germline.
Comment: The p.G939S variant (also known as c.2815G>A), located in coding exon 13 of the BLM gene, results from a G to A substitution at nucleotide position 2815. The glycine at codon 939 is replaced by serine, an amino acid with similar properties. This amino acid position is conserved. In addition, this alteration is predicted to be tolerated by in silico analysis. Since supporting evidence is limited at this time, the clinical significance of this alteration remains unclear.